The following is an entry in ClinVar:

ClinVar aggregate classification (germline): Uncertain significance (1 of 4 stars; one submission).

Submission:

GeneDx
Classification: Uncertain significance. Last evaluated: 2023-02-24. Review status: criteria provided, single submitter. Criteria: GeneDx Variant Classification Process June 2021. Collection method: clinical testing. Allele origin: germline. Affected: yes.
Comment: Not observed at significant frequency in large population cohorts (gnomAD); In silico analysis supports that this missense variant does not alter protein structure/function; Has not been previously published as pathogenic or benign to our knowledge

NM_020338.4(ZMIZ1):c.869C>T (p.Ala290Val)

Gene: ZMIZ1 (zinc finger MIZ-type containing 1; plus strand). Cytogenetic location: 10q22.3.
Variant type: single nucleotide variant.
Coding change: c.869C>T on transcript NM_020338.4 (MANE Select); coding-DNA position 869, C replaced by T.
Protein change: p.Ala290Val; replaces alanine 290 with valine.
Molecular consequence: missense variant.
Genome position (GRCh38, 1-based): chr10:79,292,268, C>T. VCF-style: chr10-79292268-C-T. GRCh37 (hg19) VCF-style: chr10-81052025-C-T.
Other names: short protein forms A290V.
Identifiers: ClinVar variation 2578043 (VCV002578043.1), dbSNP rs2493830321, ClinGen allele CA377333003.
Genomic context (GRCh38, chr10:79,292,268, plus strand): 5'-CCAGGCCGCCTGCTGACTTCACTCAGCCCGCGGCAGCCGCTGCAGCAGCGGCAGTGGCAG[C>T]AGCAGCAGCCACAGCTACAGCCACAGCCACGGCCACTGTGGCAGCCCTGCAGGAGACACA-3'
Protein context (NP_065071.1, residues 280-300): AAAAAAAAVA[Ala290Val]AAATATATAT